The following is an entry in ClinVar:

ClinVar aggregate classification (germline): Uncertain significance (1 of 4 stars; one submission).

Conditions:
Cardiomyopathy (CMYO). Also called: Cardiomyopathies. Identifiers: Orphanet 167848, MedGen C0878544, MONDO:0004994, HP:0001638. Inheritance: Various modes of inheritance.

Submission:

Color Diagnostics, LLC DBA Color Health
Classification: Uncertain significance for Cardiomyopathy. Last evaluated: 2025-11-17. Review status: criteria provided, single submitter. Criteria: ACMG Guidelines, 2015. Collection method: clinical testing. Allele origin: germline.
Comment: This missense variant replaces lysine with threonine at codon 1165 of the MYH7 protein. Computational prediction suggests that this variant may have deleterious impact on protein structure and function. To our knowledge, functional studies have not been reported for this variant. This variant has not been reported in individuals affected with MYH7-related disorders in the literature. This variant has not been identified in the general population by the Genome Aggregation Database (gnomAD). The available evidence is insufficient to determine the role of this variant in disease conclusively. Therefore, this variant is classified as a Variant of Uncertain Significance.

NM_000257.4(MYH7):c.3494A>C (p.Lys1165Thr)

Gene: MYH7 (myosin heavy chain 7; minus strand). Cytogenetic location: 14q11.2.
Variant type: single nucleotide variant.
Coding change: c.3494A>C on transcript NM_000257.4 (MANE Select); coding-DNA position 3494, A replaced by C.
Protein change: p.Lys1165Thr; replaces lysine 1165 with threonine.
Molecular consequence: missense variant.
Genome position (GRCh38, 1-based): chr14:23,420,077, T>G on the plus strand (A>C on the coding strand, the complement: MYH7 is on the minus strand). VCF-style: chr14-23420077-T-G. GRCh37 (hg19) VCF-style: chr14-23889286-T-G.
Other names: c.3494A>C, p.Lys1165Thr (NM_001407004.1); short protein forms K1165T.
Identifiers: ClinVar variation 4759151 (VCV004759151.1).
Genomic context (GRCh38, chr14:23,420,077, plus strand): 5'-TGCTGCAGCGTGGCCTCCTCCAGGTCCCGCCGCATCTTCTGGAACTCGGCCTCGCGCTTC[T>G]TGTTCATCTCGATCTGCACGGACGTGGCCCCGCCGGCCTCTTCCAGCCGCTCGCTGATCT-3'
Protein context (NP_000248.2, residues 1155-1175): GATSVQIEMN[Lys1165Thr]KREAEFQKMR